The following is an entry in ClinVar:

ClinVar aggregate classification (germline): Pathogenic/Likely pathogenic. Review status: criteria provided, multiple submitters, no conflicts (2 of 4 stars). 5 submissions from 5 submitters: Pathogenic (2); Likely pathogenic (2). 1 of the submissions does not count toward it. Last evaluated 2023-04-18.

Conditions:
Bardet-Biedl syndrome (BBS). Identifiers: Orphanet 110, MedGen C0752166, MONDO:0015229.
Bardet-Biedl syndrome 10 (BBS10). Identifiers: Orphanet 110, MedGen C1859568, MONDO:0014438, OMIM 615987.

Submissions (5):

Labcorp Genetics (formerly Invitae), Labcorp
Classification: Pathogenic for Bardet-Biedl syndrome. Last evaluated: 2023-04-18. Review status: criteria provided, single submitter. Criteria: Invitae Variant Classification Sherloc (09022015). Collection method: clinical testing. Allele origin: germline.
Comment: For these reasons, this variant has been classified as Pathogenic. ClinVar contains an entry for this variant (Variation ID: 216124). This variant has not been reported in the literature in individuals affected with BBS10-related conditions. This variant is not present in population databases (gnomAD no frequency). This sequence change creates a premature translational stop signal (p.Tyr177*) in the BBS10 gene. It is expected to result in an absent or disrupted protein product. Loss-of-function variants in BBS10 are known to be pathogenic (PMID: 26273430, 27659767).

Women's Health and Genetics/Laboratory Corporation of America, LabCorp
Classification: Likely pathogenic for Bardet-Biedl syndrome. Last evaluated: 2023-02-17. Review status: criteria provided, single submitter. Criteria: LabCorp Variant Classification Summary - May 2015. Collection method: clinical testing. Allele origin: germline.
Comment: Variant summary: BBS10 c.531C>A (p.Tyr177X) results in a premature termination codon, predicted to cause a truncation of the encoded protein or absence of the protein due to nonsense mediated decay, which are commonly known mechanisms for disease. Truncations downstream of this position have been classified as pathogenic by our laboratory. The variant was absent in 250004 control chromosomes (gnomAD). c.531C>A has been reported in the literature in at-least one individual affected with Bardet-Biedl Syndrome (example: Zacchia_2021). These data do not allow any conclusion about variant significance. To our knowledge, no experimental evidence demonstrating an impact on protein function has been reported. Three clinical diagnostic laboratories have submitted clinical-significance assessments for this variant to ClinVar after 2014 and all classified the variant as pathogenic/likely pathogenic. Based on the evidence outlined above, the variant was classified as likely pathogenic.

Baylor Genetics
Classification: Pathogenic for Bardet-Biedl syndrome 10. Last evaluated: 2022-02-02. Review status: criteria provided, single submitter. Criteria: ACMG Guidelines, 2015. Collection method: clinical testing. Allele origin: unknown.

Fulgent Genetics
Classification: Likely pathogenic for Bardet-Biedl syndrome 10. Last evaluated: 2021-07-29. Review status: criteria provided, single submitter. Criteria: ACMG Guidelines, 2015. Collection method: clinical testing. Allele origin: unknown.

Counsyl
Classification: Likely pathogenic for Bardet-Biedl syndrome 10. Last evaluated: 2016-07-01. Review status: no assertion criteria provided. Collection method: clinical testing. Allele origin: unknown. Not counted in ClinVar's aggregate classification.

Literature cited by the submitters: PubMed 26273430 (cited by Labcorp Genetics (formerly Invitae), Labcorp); PubMed 27659767 (cited by Labcorp Genetics (formerly Invitae), Labcorp); PubMed 33964006 (cited by Women's Health and Genetics/Laboratory Corporation of America, LabCorp); PubMed 34940782 (cited by Women's Health and Genetics/Laboratory Corporation of America, LabCorp).

NM_024685.4(BBS10):c.531C>A (p.Tyr177Ter)

Gene: BBS10 (Bardet-Biedl syndrome 10; minus strand). Cytogenetic location: 12q21.2.
Variant type: single nucleotide variant.
Coding change: c.531C>A on transcript NM_024685.4 (MANE Select); coding-DNA position 531, C replaced by A.
Protein change: p.Tyr177Ter; replaces tyrosine 177 with a stop codon.
Molecular consequence: nonsense.
Genome position (GRCh38, 1-based): chr12:76,347,454, G>T on the plus strand (C>A on the coding strand, the complement: BBS10 is on the minus strand). VCF-style: chr12-76347454-G-T. GRCh37 (hg19) VCF-style: chr12-76741234-G-T.
Other names: c.531C>A, p.Tyr177Ter (LRG_1255t1); short protein forms Y177*.
Identifiers: ClinVar variation 216124 (VCV000216124.13), dbSNP rs863224522, ClinGen allele CA336530.